The following is an entry in ClinVar:

NM_005213.4(CSTA):c.287C>T (p.Thr96Met)

Gene: CSTA (cystatin A; plus strand). Cytogenetic location: 3q21.1.
Variant type: single nucleotide variant.
Coding change: c.287C>T on transcript NM_005213.4 (MANE Select); coding-DNA position 287, C replaced by T.
Protein change: p.Thr96Met; replaces threonine 96 with methionine.
Molecular consequence: missense variant.
Genome position (GRCh38, 1-based): chr3:122,341,557, C>T. VCF-style: chr3-122341557-C-T. GRCh37 (hg19) VCF-style: chr3-122060404-C-T.
Other names: short protein forms T96M.
Identifiers: ClinVar variation 1232816 (VCV001232816.4), dbSNP rs34173813, ClinGen allele CA2570065.

ClinVar aggregate classification (germline): Benign. Review status: criteria provided, multiple submitters, no conflicts (2 of 4 stars). 2 submissions from 2 submitters: Benign (2). Last evaluated 2018-11-10.

Allele frequency attached by ClinVar (database versions not stated): 1000 Genomes Project 30x 0.09213; 1000 Genomes Project 0.09465; TOPMed 0.10742; gnomAD 0.10836 and 0.11075; ESP Exome Variant Server 0.11449; ExAC 0.12486.
gnomAD v4.1: 210,281 of 1,613,738 alleles (13%); highest among the groups gnomAD compares: Middle Eastern, 25%; 15,124 homozygotes.

Submissions (2):

GeneDx
Classification: Benign. Last evaluated: 2018-11-10. Review status: criteria provided, single submitter. Criteria: GeneDx Variant Classification Process June 2021. Collection method: clinical testing. Allele origin: germline. Affected: yes.
Comment: This variant is associated with the following publications: (PMID: 17441792)

Breakthrough Genomics
Classification: Benign. Review status: criteria provided, single submitter. Criteria: ACMG Guidelines, 2015. Collection method: not provided. Allele origin: germline. Inheritance: Autosomal recessive inheritance. Affected: yes.